The following is an entry in ClinVar:

ClinVar aggregate classification (germline): Uncertain significance (1 of 4 stars; one submission).

Conditions:
Cardiovascular phenotype. Identifiers: MedGen CN230736.

gnomAD v4.1: 1 of 1,613,912 alleles (0.000062%); highest among the groups gnomAD compares: Non-Finnish European, 0.000085%; no homozygotes.

Submission:

Ambry Genetics
Classification: Uncertain significance for Cardiovascular phenotype. Last evaluated: 2026-06-15. Review status: criteria provided, single submitter. Criteria: Ambry Variant Classification Scheme 2023. Collection method: clinical testing. Allele origin: germline.
Comment: The p.F127V variant (also known as c.379T>G), located in coding exon 3 of the LCAT gene, results from a T to G substitution at nucleotide position 379. The phenylalanine at codon 127 is replaced by valine, an amino acid with highly similar properties. This amino acid position is conserved. In addition, this alteration is predicted to be deleterious by in silico analysis. Based on the available evidence, the clinical significance of this variant remains unclear.

NM_000229.2(LCAT):c.379T>G (p.Phe127Val)

Gene: LCAT (lecithin-cholesterol acyltransferase; minus strand). Cytogenetic location: 16q22.1.
Variant type: single nucleotide variant.
Coding change: c.379T>G on transcript NM_000229.2 (MANE Select); coding-DNA position 379, T replaced by G.
Protein change: p.Phe127Val; replaces phenylalanine 127 with valine.
Molecular consequence: missense variant.
Genome position (GRCh38, 1-based): chr16:67,942,909, A>C on the plus strand (T>G on the coding strand, the complement: LCAT is on the minus strand). VCF-style: chr16-67942909-A-C. GRCh37 (hg19) VCF-style: chr16-67976812-A-C.
Other names: short protein forms F127V.
Identifiers: ClinVar variation 5023507 (VCV005023507.1).